The following is an entry in ClinVar:

NM_000256.3(MYBPC3):c.1621C>T (p.Gln541Ter)

Gene: MYBPC3 (myosin binding protein C3; minus strand). Cytogenetic location: 11p11.2.
Variant type: single nucleotide variant.
Coding change: c.1621C>T on transcript NM_000256.3 (MANE Select); coding-DNA position 1621, C replaced by T.
Protein change: p.Gln541Ter; replaces glutamine 541 with a stop codon.
Molecular consequence: nonsense.
Genome position (GRCh38, 1-based): chr11:47,342,581, G>A on the plus strand (C>T on the coding strand, the complement: MYBPC3 is on the minus strand). VCF-style: chr11-47342581-G-A. GRCh37 (hg19) VCF-style: chr11-47364132-G-A.
Other names: c.1621C>T, p.Gln541Ter (LRG_386t1); short protein forms Q541*.
Identifiers: ClinVar variation 419964 (VCV000419964.4), dbSNP rs1064794209, ClinGen allele CA16619341.

ClinVar aggregate classification (germline): Pathogenic (1 of 4 stars; one submission).

Submission:

GeneDx
Classification: Pathogenic. Last evaluated: 2025-12-30. Review status: criteria provided, single submitter. Criteria: GeneDx Variant Classification Process June 2021. Collection method: clinical testing. Allele origin: germline. Affected: yes.
Comment: Identified in a patient with hypertrophic cardiomyopathy in the published literature (PMID: 23197398); Nonsense variant predicted to result in protein truncation or nonsense mediated decay in a gene for which loss of function is a known mechanism of disease; Not observed at significant frequency in large population cohorts (gnomAD); This variant is associated with the following publications: (PMID: 23197398)